The following is an entry in ClinVar:

ClinVar aggregate classification (germline): Uncertain significance (1 of 4 stars; one submission).

Allele frequency attached by ClinVar (database versions not stated): TOPMed below 0.00001.
gnomAD v4.1: 1 of 1,614,040 alleles (0.000062%); highest among the groups gnomAD compares: Non-Finnish European, 0.000085%; no homozygotes.

Submission:

Labcorp Genetics (formerly Invitae), Labcorp
Classification: Uncertain significance. Last evaluated: 2022-05-04. Review status: criteria provided, single submitter. Criteria: Invitae Variant Classification Sherloc (09022015). Collection method: clinical testing. Allele origin: germline.
Comment: In summary, the available evidence is currently insufficient to determine the role of this variant in disease. Therefore, it has been classified as a Variant of Uncertain Significance. Algorithms developed to predict the effect of missense changes on protein structure and function (SIFT, PolyPhen-2, Align-GVGD) all suggest that this variant is likely to be disruptive. This variant has not been reported in the literature in individuals affected with EMC1-related conditions. This variant is not present in population databases (gnomAD no frequency). This sequence change replaces valine, which is neutral and non-polar, with alanine, which is neutral and non-polar, at codon 935 of the EMC1 protein (p.Val935Ala).

NM_015047.3(EMC1):c.2804T>C (p.Val935Ala)

Genes: EMC1 (ER membrane protein complex subunit 1; minus strand), EMC1-AS1 (EMC1 antisense RNA 1; plus strand). Cytogenetic location: 1p36.13.
Variant type: single nucleotide variant.
Coding change: c.2804T>C on transcript NM_015047.3 (MANE Select); coding-DNA position 2804, T replaced by C.
Protein change: p.Val935Ala; replaces valine 935 with alanine.
Molecular consequence: missense variant.
Genome position (GRCh38, 1-based): chr1:19,219,481, A>G on the plus strand (T>C on the coding strand, the complement: EMC1 is on the minus strand). VCF-style: chr1-19219481-A-G. GRCh37 (hg19) VCF-style: chr1-19545975-A-G.
Other names: c.2801T>C, p.Val934Ala (NM_001271427.2, NM_001271428.2); c.2738T>C, p.Val913Ala (NM_001271429.2); c.2813T>C, p.Val938Ala (NM_001375820.1); c.2810T>C, p.Val937Ala (NM_001375821.1); short protein forms V935A, V913A, V934A, V937A, V938A.
Identifiers: ClinVar variation 2133519 (VCV002133519.4), dbSNP rs2093414437, ClinGen allele CA338749471.